The following is an entry in ClinVar:

NM_000090.4(COL3A1):c.2765C>T (p.Pro922Leu)

Gene: COL3A1 (collagen type III alpha 1 chain; plus strand). Cytogenetic location: 2q32.2.
Variant type: single nucleotide variant.
Coding change: c.2765C>T on transcript NM_000090.4 (MANE Select); coding-DNA position 2765, C replaced by T.
Protein change: p.Pro922Leu; replaces proline 922 with leucine.
Molecular consequence: missense variant.
Genome position (GRCh38, 1-based): chr2:189,004,085, C>T. VCF-style: chr2-189004085-C-T. GRCh37 (hg19) VCF-style: chr2-189868811-C-T.
Other names: short protein forms P922L.
Identifiers: ClinVar variation 4529955 (VCV004529955.1).

ClinVar aggregate classification (germline): Uncertain significance (1 of 4 stars; one submission).

gnomAD v4.1: 1 of 1,613,588 alleles (0.000062%); highest among the groups gnomAD compares: Non-Finnish European, 0.000085%; no homozygotes.

Submission:

GeneDx
Classification: Uncertain significance. Last evaluated: 2025-05-13. Review status: criteria provided, single submitter. Criteria: GeneDx Variant Classification Process June 2021. Collection method: clinical testing. Allele origin: germline. Affected: yes.
Comment: Not observed at significant frequency in large population cohorts (gnomAD); In silico analysis supports that this missense variant has a deleterious effect on protein structure/function; Has not been previously published as pathogenic or benign to our knowledge; Occurs in the triple helical domain at the X position in the canonical Gly-X-Y repeat; although this variant may have an effect on normal protein folding and function, missense substitution at the X position is not a common mechanism of disease (HGMD)